The following is an entry in ClinVar:

ClinVar aggregate classification (germline): Likely benign (1 of 4 stars; one submission).

Conditions:
CREBBP-related disorder. Also called: CREBBP-related disorders; CREBBP-related condition.

gnomAD v4.1: 6 of 1,614,058 alleles (0.00037%); highest among the groups gnomAD compares: South Asian, 0.0011%; no homozygotes.

Submission:

PreventionGenetics, part of Exact Sciences
Classification: Likely benign for CREBBP-related condition. Last evaluated: 2024-11-14. Review status: criteria provided, single submitter. Criteria: ACMG Guidelines, 2015. Collection method: clinical testing. Allele origin: germline.
Comment: This variant is classified as likely benign based on ACMG/AMP sequence variant interpretation guidelines (Richards et al. 2015 PMID: 25741868, with internal and published modifications).

NM_004380.3(CREBBP):c.1065G>A (p.Gln355=)

Gene: CREBBP (CREB binding lysine acetyltransferase; minus strand). Cytogenetic location: 16p13.3.
Variant type: single nucleotide variant.
Coding change: c.1065G>A on transcript NM_004380.3 (MANE Select); coding-DNA position 1065, G replaced by A.
Protein change: p.Gln355=; no amino-acid change (glutamine 355 retained).
Molecular consequence: synonymous variant.
Genome position (GRCh38, 1-based): chr16:3,793,537, C>T on the plus strand (G>A on the coding strand, the complement: CREBBP is on the minus strand). VCF-style: chr16-3793537-C-T. GRCh37 (hg19) VCF-style: chr16-3843538-C-T.
Other names: c.1065G>A, p.Gln355= (NM_001079846.1).
Identifiers: ClinVar variation 4989950 (VCV004989950.1).